The following is an entry in ClinVar:

NM_001323289.2(CDKL5):c.1519C>T (p.Gln507Ter)

Gene: CDKL5 (cyclin dependent kinase like 5; plus strand). Cytogenetic location: Xp22.13.
Variant type: single nucleotide variant.
Coding change: c.1519C>T on transcript NM_001323289.2 (MANE Select); coding-DNA position 1519, C replaced by T.
Protein change: p.Gln507Ter; replaces glutamine 507 with a stop codon.
Molecular consequence: nonsense.
Genome position (GRCh38, 1-based): chrX:18,604,443, C>T. VCF-style: chrX-18604443-C-T. GRCh37 (hg19) VCF-style: chrX-18622563-C-T.
Other names: c.1519C>T, p.Gln507Ter (NM_001037343.2, NM_003159.3); short protein forms Q507*.
Identifiers: ClinVar variation 464809 (VCV000464809.6), dbSNP rs1555952052, ClinGen allele CA412361346.

ClinVar aggregate classification (germline): Pathogenic. Review status: criteria provided, multiple submitters, no conflicts (2 of 4 stars). 2 submissions from 2 submitters: Pathogenic (2). Last evaluated 2019-07-18.

Conditions:
Developmental and epileptic encephalopathy, 2 (DEE2). Also called: CDKL5 deficiency disorder; INFANTILE SPASM SYNDROME, X-LINKED 2. Identifiers: Orphanet 1934, Orphanet 3451, Orphanet 505652, MedGen C4750718, MONDO:0010396, OMIM 300672.
Angelman syndrome-like. Identifiers: MedGen CN128785.

Submissions (2):

Labcorp Genetics (formerly Invitae), Labcorp
Classification: Pathogenic for Developmental and epileptic encephalopathy, 2; Angelman syndrome-like. Last evaluated: 2019-07-18. Review status: criteria provided, single submitter. Criteria: Invitae Variant Classification Sherloc (09022015). Collection method: clinical testing. Allele origin: germline.
Comment: This sequence change creates a premature translational stop signal (p.Gln507*) in the CDKL5 gene. It is expected to result in an absent or disrupted protein product. This variant is not present in population databases (ExAC no frequency). This variant has not been reported in the literature in individuals with CDKL5-related disease. ClinVar contains an entry for this variant (Variation ID:¬†464809). Loss-of-function variants in CDKL5 are known to be pathogenic (PMID: 22872100). For these reasons, this variant has been classified as Pathogenic.

Pediatric Department, Xiangya Hospital, Central South University
Classification: Pathogenic for Developmental and epileptic encephalopathy 2. Review status: criteria provided, single submitter. Criteria: ACMG Guidelines, 2015. Collection method: research. Allele origin: de novo. Affected: yes.

Literature cited by the submitters: PubMed 22872100 (cited by Labcorp Genetics (formerly Invitae), Labcorp).